The following is an entry in ClinVar:

ClinVar aggregate classification (germline): Uncertain significance (1 of 4 stars; one submission).

Allele frequency attached by ClinVar (database versions not stated): gnomAD exomes below 0.00001.
gnomAD v4.1: 1 of 1,613,524 alleles (0.000062%); highest among the groups gnomAD compares: East Asian, 0.0022%; no homozygotes.

Submission:

Labcorp Genetics (formerly Invitae), Labcorp
Classification: Uncertain significance. Last evaluated: 2022-07-19. Review status: criteria provided, single submitter. Criteria: Invitae Variant Classification Sherloc (09022015). Collection method: clinical testing. Allele origin: germline.
Comment: ClinVar contains an entry for this variant (Variation ID: 1353060). In summary, the available evidence is currently insufficient to determine the role of this variant in disease. Therefore, it has been classified as a Variant of Uncertain Significance. Advanced modeling of protein sequence and biophysical properties (such as structural, functional, and spatial information, amino acid conservation, physicochemical variation, residue mobility, and thermodynamic stability) performed at Invitae indicates that this missense variant is not expected to disrupt COL7A1 protein function. This variant has not been reported in the literature in individuals affected with COL7A1-related conditions. This variant is present in population databases (no rsID available, gnomAD 0.006%). This sequence change replaces aspartic acid, which is acidic and polar, with asparagine, which is neutral and polar, at codon 1196 of the COL7A1 protein (p.Asp1196Asn).

NM_000094.4(COL7A1):c.3586G>A (p.Asp1196Asn)

Gene: COL7A1 (collagen type VII alpha 1 chain; minus strand). Cytogenetic location: 3p21.31.
Variant type: single nucleotide variant.
Coding change: c.3586G>A on transcript NM_000094.4 (MANE Select); coding-DNA position 3586, G replaced by A.
Protein change: p.Asp1196Asn; replaces aspartic acid 1196 with asparagine.
Molecular consequence: missense variant.
Genome position (GRCh38, 1-based): chr3:48,586,211, C>T on the plus strand (G>A on the coding strand, the complement: COL7A1 is on the minus strand). VCF-style: chr3-48586211-C-T. GRCh37 (hg19) VCF-style: chr3-48623644-C-T.
Other names: short protein forms D1196N.
Identifiers: ClinVar variation 1353060 (VCV001353060.6), dbSNP rs1417574149, ClinGen allele CA352703713.